The following is an entry in ClinVar:

NM_020806.5(GPHN):c.82A>G (p.Arg28Gly)

Gene: GPHN (gephyrin; plus strand). Cytogenetic location: 14q23.3.
Variant type: single nucleotide variant.
Coding change: c.82A>G on transcript NM_020806.5 (MANE Select); coding-DNA position 82, A replaced by G.
Protein change: p.Arg28Gly; replaces arginine 28 with glycine.
Molecular consequence: missense variant.
Genome position (GRCh38, 1-based): chr14:66,681,124, A>G. VCF-style: chr14-66681124-A-G. GRCh37 (hg19) VCF-style: chr14-67147842-A-G.
Other names: c.82A>G, p.Arg28Gly (NM_001024218.2, NM_001377514.1, NM_001377515.1 and 4 more transcripts); short protein forms R28G.
Identifiers: ClinVar variation 1979595 (VCV001979595.4), dbSNP rs1254755130, ClinGen allele CA390255456.

ClinVar aggregate classification (germline): Uncertain significance (1 of 4 stars; one submission).

Conditions:
Sulfite oxidase deficiency due to molybdenum cofactor deficiency type C. Also called: Molybdenum cofactor deficiency C; Molybdenum cofactor deficiency, complementation group C. Identifiers: Orphanet 308400, Orphanet 833, MedGen C1854990, MONDO:0014212, OMIM 615501.

Allele frequency attached by ClinVar (database versions not stated): gnomAD exomes below 0.00001.
gnomAD v4.1: 4 of 1,592,102 alleles (0.00025%); highest among the groups gnomAD compares: Admixed American, 0.0067%; no homozygotes.

Submission:

Labcorp Genetics (formerly Invitae), Labcorp
Classification: Uncertain significance for Sulfite oxidase deficiency due to molybdenum cofactor deficiency type C. Last evaluated: 2025-12-04. Review status: criteria provided, single submitter. Criteria: Invitae Variant Classification Sherloc (09022015). Collection method: clinical testing. Allele origin: germline.
Comment: This sequence change replaces arginine, which is basic and polar, with glycine, which is neutral and non-polar, at codon 28 of the GPHN protein (p.Arg28Gly). This variant is present in population databases (no rsID available, gnomAD 0.006%). This variant has not been reported in the literature in individuals affected with GPHN-related conditions. ClinVar contains an entry for this variant (Variation ID: 1979595). Invitae Evidence Modeling of protein sequence and biophysical properties (such as structural, functional, and spatial information, amino acid conservation, physicochemical variation, residue mobility, and thermodynamic stability) indicates that this missense variant is not expected to disrupt GPHN protein function with a negative predictive value of 80%. In summary, the available evidence is currently insufficient to determine the role of this variant in disease. Therefore, it has been classified as a Variant of Uncertain Significance.